The following is an entry in ClinVar:

NM_004393.6(DAG1):c.331G>A (p.Asp111Asn)

Gene: DAG1 (dystroglycan 1; plus strand). Cytogenetic location: 3p21.31.
Variant type: single nucleotide variant.
Coding change: c.331G>A on transcript NM_004393.6 (MANE Select); coding-DNA position 331, G replaced by A.
Protein change: p.Asp111Asn; replaces aspartic acid 111 with asparagine.
Molecular consequence: missense variant.
Genome position (GRCh38, 1-based): chr3:49,530,842, G>A. VCF-style: chr3-49530842-G-A. GRCh37 (hg19) VCF-style: chr3-49568275-G-A.
Other names: DAG1, ASP111ASN (rs117209107); c.331G>A, p.Asp111Asn (NM_001165928.4, NM_001177634.3, NM_001177635.3 and 9 more transcripts); c.331G>A (NM_001165928.3); short protein forms D111N.
Identifiers: ClinVar variation 208541 (VCV000208541.44), dbSNP rs117209107, ClinGen allele CA204527.
Genomic context (GRCh38, chr3:49,530,842, plus strand): 5'-TTGTGTCTCTTCTAGGTATCAGCGGCAGGGAAGGAGGCTTTGCCATCTTGGCTGCACTGG[G>A]ACTCACAGAGCCACACCCTGGAGGGCCTCCCCCTTGACACTGATAAGGGTGTGCATTACA-3'
Protein context (NP_004384.5, residues 101-121): KEALPSWLHW[Asp111Asn]SQSHTLEGLP

ClinVar aggregate classification (germline): Benign/Likely benign. Review status: criteria provided, multiple submitters, no conflicts (2 of 4 stars). 10 submissions from 10 submitters: Benign (7); Likely benign (1). 2 of the submissions do not count toward it. Last evaluated 2026-04-01.

Conditions:
DAG1-related disorder. Also called: DAG1-related condition.
Muscular dystrophy-dystroglycanopathy (congenital with brain and eye anomalies), type A9. Also called: WALKER-WARBURG SYNDROME OR MUSCLE-EYE BRAIN DISEASE, DAG1-RELATED; Muscular dystrophy-dystroglycanopathy (congenital with brain and eye anomalies), type a, 9. Identifiers: Orphanet 370997, Orphanet 899, MedGen C4225291, MONDO:0014683, OMIM 616538.
Autosomal recessive limb-girdle muscular dystrophy type 2P. Also called: MUSCULAR DYSTROPHY-DYSTROGLYCANOPATHY, LIMB-GIRDLE, DAG1-RELATED; MUSCULAR DYSTROPHY, LIMB-GIRDLE, TYPE 2P; Limb-Girdle Muscular Dystrophy Type 9C. Identifiers: Orphanet 280333, MedGen C4511963, MONDO:0013440, OMIM 613818.

Allele frequency attached by ClinVar (database versions not stated): ExAC 0.00200; gnomAD exomes 0.00216 and 0.00079; 1000 Genomes Project 30x 0.00344; 1000 Genomes Project 0.00419; gnomAD 0.00072 and 0.00097; TOPMed 0.00134.

Submissions (10):

CeGaT Center for Human Genetics Tuebingen
Classification: Benign. Last evaluated: 2026-04-01. Review status: criteria provided, single submitter. Criteria: CeGaT Center For Human Genetics Tuebingen Variant Classification Criteria Version 2. Collection method: clinical testing. Allele origin: germline. Affected: yes. Observed: 4 variant alleles.
Comment: DAG1: BS1, BS2

Labcorp Genetics (formerly Invitae), Labcorp
Classification: Benign for Autosomal recessive limb-girdle muscular dystrophy type 2P; Muscular dystrophy-dystroglycanopathy (congenital with brain and eye anomalies), type A9. Last evaluated: 2026-02-01. Review status: criteria provided, single submitter. Criteria: Invitae Variant Classification Sherloc (09022015). Collection method: clinical testing. Allele origin: germline.

Fulgent Genetics
Classification: Likely benign for Autosomal recessive limb-girdle muscular dystrophy type 2P; Muscular dystrophy-dystroglycanopathy (congenital with brain and eye anomalies), type A9. Last evaluated: 2021-08-24. Review status: criteria provided, single submitter. Criteria: ACMG Guidelines, 2015. Collection method: clinical testing. Allele origin: unknown.

Mendelics
Classification: Benign for Autosomal recessive limb-girdle muscular dystrophy type 2P. Last evaluated: 2019-05-28. Review status: criteria provided, single submitter. Criteria: Mendelics Assertion Criteria 2017. Collection method: clinical testing. Allele origin: unknown.

GeneDx
Classification: Benign. Last evaluated: 2018-12-11. Review status: criteria provided, single submitter. Criteria: GeneDx Variant Classification Process June 2021. Collection method: clinical testing. Allele origin: germline. Affected: yes.
Comment: This variant is associated with the following publications: (PMID: 25503980, 29036200, 31180159)

Athena Diagnostics
Classification: Benign. Last evaluated: 2016-12-13. Review status: criteria provided, single submitter. Criteria: Athena Diagnostics Criteria. Collection method: clinical testing. Allele origin: germline.

Eurofins Ntd Llc (ga)
Classification: Benign. Last evaluated: 2015-10-22. Review status: criteria provided, single submitter. Criteria: EGL Classification Definitions 2015. Collection method: clinical testing. Allele origin: germline. Observed: 1 variant allele, 1 heterozygote.

Breakthrough Genomics
Classification: Benign. Review status: criteria provided, single submitter. Criteria: ACMG Guidelines, 2015. Collection method: not provided. Allele origin: germline. Inheritance: Autosomal recessive inheritance. Affected: yes.

PreventionGenetics, part of Exact Sciences
Classification: Likely benign for DAG1-related condition. Last evaluated: 2019-11-19. Review status: no assertion criteria provided. Collection method: clinical testing. Allele origin: germline. Not counted in ClinVar's aggregate classification.
Comment: This variant is classified as likely benign based on ACMG/AMP sequence variant interpretation guidelines (Richards et al. 2015 PMID: 25741868, with internal and published modifications).

OMIM
Classification: Pathogenic for MUSCULAR DYSTROPHY-DYSTROGLYCANOPATHY (LIMB-GIRDLE), TYPE C, 9. Last evaluated: 2015-01-20. Review status: no assertion criteria provided. Collection method: literature only. Allele origin: germline. Not counted in ClinVar's aggregate classification.

Literature cited by the submitters: PubMed 25503980 (cited by Athena Diagnostics and OMIM).